The following is an entry in ClinVar:

NM_002474.3(MYH11):c.2652G>T (p.Gln884His)

Gene: MYH11 (myosin heavy chain 11; minus strand). Cytogenetic location: 16p13.11.
Variant type: single nucleotide variant.
Coding change: c.2652G>T on transcript NM_002474.3 (MANE Select); coding-DNA position 2652, G replaced by T.
Protein change: p.Gln884His; replaces glutamine 884 with histidine.
Molecular consequence: missense variant.
Genome position (GRCh38, 1-based): chr16:15,741,760, C>A on the plus strand (G>T on the coding strand, the complement: MYH11 is on the minus strand). VCF-style: chr16-15741760-C-A. GRCh37 (hg19) VCF-style: chr16-15835617-C-A.
Other names: c.2673G>T, p.Gln891His (NM_001040113.2, NM_001040114.2); c.2652G>T, p.Gln884His (NM_022844.3); short protein forms Q884H, Q891H.
Identifiers: ClinVar variation 3075134 (VCV003075134.1), dbSNP rs754899871, ClinGen allele CA7922216.

ClinVar aggregate classification (germline): Uncertain significance (1 of 4 stars; one submission).

Conditions:
Familial thoracic aortic aneurysm and aortic dissection (TAAD). Also called: Thoracic aortic aneurysms and dissections. Identifiers: Orphanet 91387, MedGen C4707243, MONDO:0019625.

Allele frequency attached by ClinVar (database versions not stated): gnomAD exomes below 0.00001; ExAC 0.00001.
gnomAD v4.1: 1 of 1,614,186 alleles (0.000062%); highest among the groups gnomAD compares: Non-Finnish European, 0.000085%; no homozygotes.

Submission:

All of Us Research Program, National Institutes of Health
Classification: Uncertain significance for Familial thoracic aortic aneurysm and aortic dissection. Last evaluated: 2023-12-18. Review status: criteria provided, single submitter. Criteria: ACMG Guidelines, 2015. Collection method: clinical testing. Allele origin: germline. Inheritance: Autosomal dominant inheritance. Observed: 1 variant allele, 1 heterozygote.
Comment: This missense variant replaces glutamine with histidine at codon 891 of the MYH11 protein. Computational prediction is inconclusive regarding the impact of this variant on protein structure and function (internally defined REVEL score threshold 0.5 < inconclusive < 0.7, PMID: 27666373). To our knowledge, functional studies have not been reported for this variant. This variant has not been reported in individuals affected with MYH11-related disorders in the literature. This variant has been identified in 1/251476 chromosomes in the general population by the Genome Aggregation Database (gnomAD). The available evidence is insufficient to determine the role of this variant in disease conclusively. Therefore, this variant is classified as a Variant of Uncertain Significance.

This study involves interpretation of variants in research participants for the purpose of population health screening. Participant phenotype was not available at the time of variant classification. Additional details can be found in publication PMID: 35346344, PMCID: PMC8962531